The following is an entry in ClinVar:

NM_198578.4(LRRK2):c.3987T>C (p.Ala1329=)

Gene: LRRK2 (leucine rich repeat kinase 2; plus strand). Cytogenetic location: 12q12.
Variant type: single nucleotide variant.
Coding change: c.3987T>C on transcript NM_198578.4 (MANE Select); coding-DNA position 3987, T replaced by C.
Protein change: p.Ala1329=; no amino-acid change (alanine 1329 retained).
Molecular consequence: synonymous variant.
Genome position (GRCh38, 1-based): chr12:40,308,494, T>C. VCF-style: chr12-40308494-T-C. GRCh37 (hg19) VCF-style: chr12-40702296-T-C.
Identifiers: ClinVar variation 3034714 (VCV003034714.3), dbSNP rs2499811847, ClinGen allele CA479391413.

ClinVar aggregate classification (germline): Likely benign. Review status: criteria provided, single submitter (1 of 4 stars). 2 submissions from 2 submitters: Likely benign (1). 1 of the submissions does not count toward it. Last evaluated 2023-10-09.

Conditions:
Inborn genetic diseases. Identifiers: MedGen C0950123, MeSH D030342.
LRRK2-related disorder. Also called: LRRK2-related condition.

Submissions (2):

Ambry Genetics
Classification: Likely benign for Inborn genetic diseases. Last evaluated: 2023-10-09. Review status: criteria provided, single submitter. Criteria: Ambry Variant Classification Scheme 2023. Collection method: clinical testing. Allele origin: germline.

PreventionGenetics, part of Exact Sciences
Classification: Likely benign for LRRK2-related condition. Last evaluated: 2019-07-31. Review status: no assertion criteria provided. Collection method: clinical testing. Allele origin: germline. Not counted in ClinVar's aggregate classification.
Comment: This variant is classified as likely benign based on ACMG/AMP sequence variant interpretation guidelines (Richards et al. 2015 PMID: 25741868, with internal and published modifications).